The following is an entry in ClinVar:

ClinVar aggregate classification (germline): Uncertain significance (1 of 4 stars; one submission).

Submission:

GeneDx
Classification: Uncertain significance. Last evaluated: 2025-03-24. Review status: criteria provided, single submitter. Criteria: GeneDx Variant Classification Process June 2021. Collection method: clinical testing. Allele origin: germline. Affected: yes.
Comment: Not observed at significant frequency in large population cohorts (gnomAD); In silico analysis supports that this missense variant has a deleterious effect on protein structure/function; Has not been previously published as pathogenic or benign to our knowledge

NM_001370100.5(ZMYND11):c.1687T>C (p.Cys563Arg)

Gene: ZMYND11 (zinc finger MYND-type containing 11; plus strand). Cytogenetic location: 10p15.3.
Variant type: single nucleotide variant.
Coding change: c.1687T>C on transcript NM_001370100.5 (MANE Select); coding-DNA position 1687, T replaced by C.
Protein change: p.Cys563Arg; replaces cysteine 563 with arginine.
Molecular consequence: missense variant. On other transcripts: non-coding transcript variant (1).
Genome position (GRCh38, 1-based): chr10:252,348, T>C. VCF-style: chr10-252348-T-C. GRCh37 (hg19) VCF-style: chr10-298288-T-C.
Other names: c.1687T>C, p.Cys563Arg (NM_001370098.2, NM_001370099.2, NM_001370101.2 and 3 more transcripts); c.1525T>C, p.Cys509Arg (NM_001370103.2, NM_001370104.2, NM_001370105.2 and 5 more transcripts); c.1432T>C, p.Cys478Arg (NM_001202465.3, NM_001370110.2); c.1522T>C, p.Cys508Arg (NM_001202466.3, NM_001370111.2); c.1636T>C, p.Cys546Arg (NM_001330057.3, NM_001370112.2); c.1618T>C, p.Cys540Arg (NM_001370117.2); c.1567T>C, p.Cys523Arg (NM_001370118.2); c.1540T>C, p.Cys514Arg (NM_001370119.2); and 8 more; short protein forms C406R, C478R, C562R, C444R, C469R, C509R, C514R, C541R.
Identifiers: ClinVar variation 4087868 (VCV004087868.1).